The following is an entry in ClinVar:

NM_144670.6(A2ML1):c.3481G>C (p.Asp1161His)

Gene: A2ML1 (alpha-2-macroglobulin like 1; plus strand). Cytogenetic location: 12p13.31.
Variant type: single nucleotide variant.
Coding change: c.3481G>C on transcript NM_144670.6 (MANE Select); coding-DNA position 3481, G replaced by C.
Protein change: p.Asp1161His; replaces aspartic acid 1161 with histidine.
Molecular consequence: missense variant.
Genome position (GRCh38, 1-based): chr12:8,861,276, G>C. VCF-style: chr12-8861276-G-C. GRCh37 (hg19) VCF-style: chr12-9013872-G-C.
Other names: c.2008G>C, p.Asp670His (NM_001282424.3); short protein forms D1161H, D670H.
Identifiers: ClinVar variation 3719981 (VCV003719981.2).

ClinVar aggregate classification (germline): Uncertain significance (1 of 4 stars; one submission).

gnomAD v4.1: 9 of 1,614,036 alleles (0.00056%); highest among the groups gnomAD compares: Middle Eastern, 0.033%; 1 homozygote.

Submission:

Labcorp Genetics (formerly Invitae), Labcorp
Classification: Uncertain significance. Last evaluated: 2024-07-24. Review status: criteria provided, single submitter. Criteria: Invitae Variant Classification Sherloc (09022015). Collection method: clinical testing. Allele origin: germline.
Comment: This sequence change replaces aspartic acid, which is acidic and polar, with histidine, which is basic and polar, at codon 1161 of the A2ML1 protein (p.Asp1161His). This variant is not present in population databases (gnomAD no frequency). This variant has not been reported in the literature in individuals affected with A2ML1-related conditions. An algorithm developed to predict the effect of missense changes on protein structure and function (PolyPhen-2) suggests that this variant is likely to be disruptive. In summary, the available evidence is currently insufficient to determine the role of this variant in disease. Therefore, it has been classified as a Variant of Uncertain Significance.